The following is an entry in ClinVar:

NM_000843.4(GRM6):c.1304C>T (p.Pro435Leu)

Genes: GRM6 (glutamate metabotropic receptor 6; minus strand), ZNF454 (zinc finger protein 454; plus strand). Cytogenetic location: 5q35.3.
Variant type: single nucleotide variant.
Coding change: c.1304C>T on transcript NM_000843.4 (MANE Select); coding-DNA position 1304, C replaced by T.
Protein change: p.Pro435Leu; replaces proline 435 with leucine.
Molecular consequence: missense variant.
Genome position (GRCh38, 1-based): chr5:178,988,985, G>A on the plus strand (C>T on the coding strand, the complement: GRM6 is on the minus strand). VCF-style: chr5-178988985-G-A. GRCh37 (hg19) VCF-style: chr5-178415986-G-A.
Other names: short protein forms P435L.
Identifiers: ClinVar variation 1921932 (VCV001921932.3), dbSNP rs769841415, ClinGen allele CA3594130.

ClinVar aggregate classification (germline): Uncertain significance (1 of 4 stars; one submission).

Allele frequency attached by ClinVar (database versions not stated): gnomAD exomes 0.00001; TOPMed 0.00002; ExAC 0.00003.
gnomAD v4.1: 9 of 1,614,060 alleles (0.00056%); highest among the groups gnomAD compares: East Asian, 0.018%; no homozygotes.

Submission:

Labcorp Genetics (formerly Invitae), Labcorp
Classification: Uncertain significance. Last evaluated: 2022-01-27. Review status: criteria provided, single submitter. Criteria: Invitae Variant Classification Sherloc (09022015). Collection method: clinical testing. Allele origin: germline.
Comment: In summary, the available evidence is currently insufficient to determine the role of this variant in disease. Therefore, it has been classified as a Variant of Uncertain Significance. Advanced modeling of protein sequence and biophysical properties (such as structural, functional, and spatial information, amino acid conservation, physicochemical variation, residue mobility, and thermodynamic stability) performed at Invitae indicates that this missense variant is not expected to disrupt GRM6 protein function. This variant has not been reported in the literature in individuals affected with GRM6-related conditions. This variant is present in population databases (rs769841415, gnomAD 0.04%). This sequence change replaces proline, which is neutral and non-polar, with leucine, which is neutral and non-polar, at codon 435 of the GRM6 protein (p.Pro435Leu).